The following is an entry in ClinVar:

NM_130468.4(CHST14):c.343G>A (p.Ala115Thr)

Gene: CHST14 (carbohydrate sulfotransferase 14; plus strand). Cytogenetic location: 15q15.1.
Variant type: single nucleotide variant.
Coding change: c.343G>A on transcript NM_130468.4 (MANE Select); coding-DNA position 343, G replaced by A.
Protein change: p.Ala115Thr; replaces alanine 115 with threonine.
Molecular consequence: missense variant.
Genome position (GRCh38, 1-based): chr15:40,471,556, G>A. VCF-style: chr15-40471556-G-A. GRCh37 (hg19) VCF-style: chr15-40763755-G-A.
Other names: short protein forms A115T.
Identifiers: ClinVar variation 5034596 (VCV005034596.1).
Genomic context (GRCh38, chr15:40,471,556, plus strand): 5'-CTCAGGGCTGGGGACGCGGACTTGCAAGTGCGGCAGGACGTCCGGAACAGGACCCTGCGG[G>A]CGGTGTGCGGACAGCCAGGCATGCCCCGGGACCCCTGGGACTTGCCGGTGGGGCAGCGGC-3'
Protein context (NP_569735.1, residues 105-125): RQDVRNRTLR[Ala115Thr]VCGQPGMPRD

ClinVar aggregate classification (germline): Uncertain significance (1 of 4 stars; one submission).

Conditions:
Cardiovascular phenotype. Identifiers: MedGen CN230736.

Submission:

Ambry Genetics
Classification: Uncertain significance for Cardiovascular phenotype. Last evaluated: 2026-08-10. Review status: criteria provided, single submitter. Criteria: Ambry Variant Classification Scheme 2023. Collection method: clinical testing. Allele origin: germline.
Comment: The p.A115T variant (also known as c.343G>A), located in coding exon 1 of the CHST14 gene, results from a G to A substitution at nucleotide position 343. The alanine at codon 115 is replaced by threonine, an amino acid with similar properties. This amino acid position is conserved. In addition, this alteration is predicted to be tolerated by in silico analysis. Based on the available evidence, the clinical significance of this variant remains unclear.